The following is an entry in ClinVar:

ClinVar aggregate classification (germline): Uncertain significance (1 of 4 stars; one submission).

Conditions:
Niemann-Pick disease, type C2 (NPC2). Identifiers: Orphanet 646, MedGen C1843366, MONDO:0011873, OMIM 607625.

Allele frequency attached by ClinVar (database versions not stated): gnomAD 0.00001.

Submission:

Labcorp Genetics (formerly Invitae), Labcorp
Classification: Uncertain significance for Niemann-Pick disease, type C2. Last evaluated: 2022-08-15. Review status: criteria provided, single submitter. Criteria: Invitae Variant Classification Sherloc (09022015). Collection method: clinical testing. Allele origin: germline.
Comment: This sequence change replaces asparagine, which is neutral and polar, with isoleucine, which is neutral and non-polar, at codon 64 of the NPC2 protein (p.Asn64Ile). This variant is not present in population databases (gnomAD no frequency). This variant has not been reported in the literature in individuals affected with NPC2-related conditions. ClinVar contains an entry for this variant (Variation ID: 1468682). Algorithms developed to predict the effect of missense changes on protein structure and function (SIFT, PolyPhen-2, Align-GVGD) all suggest that this variant is likely to be tolerated. Algorithms developed to predict the effect of sequence changes on RNA splicing suggest that this variant may disrupt the consensus splice site. In summary, the available evidence is currently insufficient to determine the role of this variant in disease. Therefore, it has been classified as a Variant of Uncertain Significance.

NM_006432.5(NPC2):c.191A>T (p.Asn64Ile)

Gene: NPC2 (NPC intracellular cholesterol transporter 2; minus strand). Cytogenetic location: 14q24.3.
Variant type: single nucleotide variant.
Coding change: c.191A>T on transcript NM_006432.5 (MANE Select); coding-DNA position 191, A replaced by T.
Protein change: p.Asn64Ile; replaces asparagine 64 with isoleucine.
Molecular consequence: missense variant.
Genome position (GRCh38, 1-based): chr14:74,484,587, T>A on the plus strand (A>T on the coding strand, the complement: NPC2 is on the minus strand). VCF-style: chr14-74484587-T-A. GRCh37 (hg19) VCF-style: chr14-74951290-T-A.
Other names: c.191A>T, p.Asn64Ile (NM_001363688.1, NM_001375440.1); short protein forms N64I.
Identifiers: ClinVar variation 1468682 (VCV001468682.3), dbSNP rs1391222276, ClinGen allele CA390532608.